The following is an entry in ClinVar:

ClinVar aggregate classification (germline): Conflicting classifications of pathogenicity. Review status: criteria provided, conflicting classifications (1 of 4 stars). 14 submissions from 14 submitters: Uncertain significance (9); Benign (1); Likely benign (2). 2 of the submissions do not count toward it. Last evaluated 2026-05-12.

Conditions:
ADGRV1-related disorder. Also called: ADGRV1-related disorders; ADGRV1-related condition.
Inborn genetic diseases. Identifiers: MedGen C0950123, MeSH D030342.
Usher syndrome type 2. Also called: Usher Syndrome Type II. Identifiers: Orphanet 231178, MedGen C0339534, MONDO:0016484.
Usher syndrome type 2C. Also called: Usher syndrome, type 2B; USHER SYNDROME, TYPE IIC. Identifiers: Orphanet 231178, Orphanet 886, MedGen C2931213, MONDO:0011558, OMIM 605472.

Allele frequency attached by ClinVar (database versions not stated): TOPMed 0.00041; gnomAD 0.00045; ESP Exome Variant Server 0.00080.
gnomAD v4.1: 625 of 1,609,590 alleles (0.039%); highest among the groups gnomAD compares: Non-Finnish European, 0.05%; no homozygotes.

Submissions (14):

PreventionGenetics, part of Exact Sciences
Classification: Uncertain significance for ADGRV1-related condition. Last evaluated: 2026-05-12. Review status: criteria provided, single submitter. Criteria: ACMG Guidelines, 2015. Collection method: clinical testing. Allele origin: germline.
Comment: The ADGRV1 c.14432C>A variant is predicted to result in the amino acid substitution p.Pro4811Gln. This variant was reported, in the heterozygous state along with a second variant in the same gene, in individuals with retinal degeneration; at least one patient had another causative variant in a different gene (supplementary data, Zampaglione et al. 2022. PubMed ID: 34906470; supplementary data, Weisschuh et al. 2024. PubMed ID: 37734845). However, this variant is reported in 0.055% of alleles in individuals of European (Non-Finnish) descent in gnomAD, which may be too frequent to be a primary cause of disease. Although we suspect that this variant may be benign, at this time, the clinical significance of this variant is uncertain due to the absence of conclusive functional and genetic evidence.

Labcorp Genetics (formerly Invitae), Labcorp
Classification: Likely benign. Last evaluated: 2026-01-31. Review status: criteria provided, single submitter. Criteria: Invitae Variant Classification Sherloc (09022015). Collection method: clinical testing. Allele origin: germline.

CeGaT Center for Human Genetics Tuebingen
Classification: Uncertain significance. Last evaluated: 2025-09-01. Review status: criteria provided, single submitter. Criteria: CeGaT Center For Human Genetics Tuebingen Variant Classification Criteria Version 2. Collection method: clinical testing. Allele origin: germline. Affected: yes. Observed: 1 variant allele.
Comment: ADGRV1: PM2:Supporting, BP4

GeneDx
Classification: Uncertain significance. Last evaluated: 2024-12-04. Review status: criteria provided, single submitter. Criteria: GeneDx Variant Classification Process June 2021. Collection method: clinical testing. Allele origin: germline.
Comment: Reported in the heterozygous state in a patient with retinal dystrophy in published literature; the patient also had variants in other genes that may explain the phenotype (PMID: 37734845); In silico analysis indicates that this missense variant does not alter protein structure/function; This variant is associated with the following publications: (PMID: 34906470, 37734845)

Blueprint Genetics
Classification: Likely benign. Last evaluated: 2024-11-14. Review status: criteria provided, single submitter. Criteria: ACMG Guidelines, 2015. Collection method: clinical testing. Allele origin: germline.

Athena Diagnostics
Classification: Benign. Last evaluated: 2024-10-16. Review status: criteria provided, single submitter. Criteria: Athena Diagnostics Criteria. Collection method: clinical testing. Allele origin: unknown.

Ambry Genetics
Classification: Uncertain significance for Inborn genetic diseases. Last evaluated: 2021-08-16. Review status: criteria provided, single submitter. Criteria: Ambry Variant Classification Scheme 2023. Collection method: clinical testing. Allele origin: germline.

Department of Pathology and Laboratory Medicine, Sinai Health System
Classification: Uncertain significance for Usher syndrome type 2. Last evaluated: 2021-07-30. Review status: criteria provided, single submitter. Criteria: ACMG Guidelines, 2015. Collection method: research. Allele origin: germline.

Ocular Genomics Institute, Massachusetts Eye and Ear
Classification: Uncertain significance for Usher syndrome type 2C. Last evaluated: 2021-04-08. Review status: criteria provided, single submitter. Criteria: ACMG Guidelines, 2015. Collection method: research. Allele origin: germline. Affected: yes.
Comment: Through a review of available evidence we were able to apply the following criteria: PM2. Based on this evidence we have classified this variant as Variant of Uncertain Significance.

Laboratory for Molecular Medicine, Mass General Brigham Personalized Medicine
Classification: Uncertain significance. Last evaluated: 2018-12-13. Review status: criteria provided, single submitter. Criteria: LMM Criteria. Collection method: clinical testing. Allele origin: germline. Observed: 3 variant alleles.
Comment: Variant classified as Uncertain Significance - Favor Benign. The p.Pro4811Gln va riant in ADGRV1 has been previously reported by our laboratory in 2 individuals with hearing loss. It has also been reported in ClinVar (Variation ID 228712). T his variant has been identified in 0.05% (68/123974) of European chromosomes by gnomAD. Computational prediction tools and co nservation analysis suggest that the p.Pro4811Gln variant may not impact the pro tein, though this information is not predictive enough to rule out pathogenicity . In summary, the clinical significance of the p.Pro4811Gln variant is uncertai n. ACMG/AMP criteria applied: PM2_Supporting, BP4.

Illumina Laboratory Services, Illumina
Classification: Uncertain significance for Usher syndrome type 2C. Last evaluated: 2018-01-13. Review status: criteria provided, single submitter. Criteria: ICSL Variant Classification Criteria 13 December 2019. Collection method: clinical testing. Allele origin: germline.

Eurofins Ntd Llc (ga)
Classification: Uncertain significance. Last evaluated: 2016-09-13. Review status: criteria provided, single submitter. Criteria: EGL Classification Definitions 2015. Collection method: clinical testing. Allele origin: germline. Observed: 1 variant allele, 1 heterozygote.

Clinical Genetics DNA and cytogenetics Diagnostics Lab, Erasmus MC, Erasmus Medical Center
Classification: Likely benign. Review status: no assertion criteria provided. Collection method: clinical testing. Allele origin: germline. Affected: yes. Study: VKGL Data-share Consensus. Not counted in ClinVar's aggregate classification.

Clinical Genetics, Academic Medical Center
Classification: Benign. Review status: no assertion criteria provided. Collection method: clinical testing. Allele origin: germline. Affected: yes. Study: VKGL Data-share Consensus. Not counted in ClinVar's aggregate classification.

Literature cited by the submitters: PubMed 34906470 (cited by Athena Diagnostics); PubMed 37734845 (cited by Athena Diagnostics).

NM_032119.4(ADGRV1):c.14432C>A (p.Pro4811Gln)

Gene: ADGRV1 (adhesion G protein-coupled receptor V1; plus strand). Cytogenetic location: 5q14.3.
Variant type: single nucleotide variant.
Coding change: c.14432C>A on transcript NM_032119.4 (MANE Select); coding-DNA position 14432, C replaced by A.
Protein change: p.Pro4811Gln; replaces proline 4811 with glutamine.
Molecular consequence: missense variant. On other transcripts: non-coding transcript variant (1).
Genome position (GRCh38, 1-based): chr5:90,791,261, C>A. VCF-style: chr5-90791261-C-A. GRCh37 (hg19) VCF-style: chr5-90087078-C-A.
Other names: short protein forms P4811Q.
Identifiers: ClinVar variation 228712 (VCV000228712.37), dbSNP rs201747452, ClinGen allele CA3341726.